The following is an entry in ClinVar:

ClinVar aggregate classification (germline): Benign/Likely benign. Review status: criteria provided, multiple submitters, no conflicts (2 of 4 stars). 4 submissions from 4 submitters: Benign (1); Likely benign (2). 1 of the submissions does not count toward it. Last evaluated 2025-11-09.

Conditions:
KCNMA1-related disorder. Also called: KCNMA1-related disorders; KCNMA1-related condition.
Generalized epilepsy-paroxysmal dyskinesia syndrome (PNKD3). Also called: Paroxysmal nonkinesigenic dyskinesia, 3, with or without generalized epilepsy; Generalized epilepsy and paroxysmal dyskinesia. Identifiers: Orphanet 79137, MedGen C5574945, MONDO:0012276, OMIM 609446.

Allele frequency attached by ClinVar (database versions not stated): TOPMed 0.00010; gnomAD exomes 0.00030 and 0.00065; 1000 Genomes Project 30x 0.00031; gnomAD 0.00056 and 0.00060; ExAC 0.00060; 1000 Genomes Project 0.00120.
gnomAD v4.1: 514 of 1,585,674 alleles (0.032%); highest among the groups gnomAD compares: Middle Eastern, 0.017%; 2 homozygotes.

Submissions (4):

Labcorp Genetics (formerly Invitae), Labcorp
Classification: Benign for Generalized epilepsy-paroxysmal dyskinesia syndrome. Last evaluated: 2025-11-09. Review status: criteria provided, single submitter. Criteria: Invitae Variant Classification Sherloc (09022015). Collection method: clinical testing. Allele origin: germline.

CeGaT Center for Human Genetics Tuebingen
Classification: Likely benign. Last evaluated: 2024-10-01. Review status: criteria provided, single submitter. Criteria: CeGaT Center For Human Genetics Tuebingen Variant Classification Criteria Version 2. Collection method: clinical testing. Allele origin: germline. Affected: yes. Observed: 2 variant alleles.
Comment: KCNMA1: BP4, BP7

Blueprint Genetics
Classification: Likely benign. Last evaluated: 2024-09-06. Review status: criteria provided, single submitter. Criteria: ACMG Guidelines, 2015. Collection method: clinical testing. Allele origin: germline.

PreventionGenetics, part of Exact Sciences
Classification: Likely benign for KCNMA1-related condition. Last evaluated: 2019-05-06. Review status: no assertion criteria provided. Collection method: clinical testing. Allele origin: germline. Not counted in ClinVar's aggregate classification.
Comment: This variant is classified as likely benign based on ACMG/AMP sequence variant interpretation guidelines (Richards et al. 2015 PMID: 25741868, with internal and published modifications).

NM_001161352.2(KCNMA1):c.144T>C (p.Ser48=)

Gene: KCNMA1 (potassium calcium-activated channel subfamily M alpha 1; minus strand). Cytogenetic location: 10q22.3.
Variant type: single nucleotide variant.
Coding change: c.144T>C on transcript NM_001161352.2 (MANE Select); coding-DNA position 144, T replaced by C.
Protein change: p.Ser48=; no amino-acid change (serine 48 retained).
Molecular consequence: synonymous variant.
Genome position (GRCh38, 1-based): chr10:77,637,499, A>G on the plus strand (T>C on the coding strand, the complement: KCNMA1 is on the minus strand). VCF-style: chr10-77637499-A-G. GRCh37 (hg19) VCF-style: chr10-79397257-A-G.
Other names: c.144T>C, p.Ser48= (NM_001014797.3, NM_001161353.2, NM_001271518.2 and 12 more transcripts).
Identifiers: ClinVar variation 745453 (VCV000745453.42), dbSNP rs200608314, ClinGen allele CA5568799.